The following is an entry in ClinVar:

NM_021098.3(CACNA1H):c.6766T>G (p.Cys2256Gly)

Gene: CACNA1H (calcium voltage-gated channel subunit alpha1 H; plus strand). Cytogenetic location: 16p13.3.
Variant type: single nucleotide variant.
Coding change: c.6766T>G on transcript NM_021098.3 (MANE Select); coding-DNA position 6766, T replaced by G.
Protein change: p.Cys2256Gly; replaces cysteine 2256 with glycine.
Molecular consequence: missense variant.
Genome position (GRCh38, 1-based): chr16:1,220,698, T>G. VCF-style: chr16-1220698-T-G. GRCh37 (hg19) VCF-style: chr16-1270698-T-G.
Other names: c.6748T>G, p.Cys2250Gly (NM_001005407.2); short protein forms C2250G, C2256G.
Identifiers: ClinVar variation 2074943 (VCV002074943.4), dbSNP rs2141412071, ClinGen allele CA394150558.

ClinVar aggregate classification (germline): Uncertain significance (1 of 4 stars; one submission).

Conditions:
Idiopathic generalized epilepsy. Also called: EIG; Generalised epilepsy. Identifiers: MedGen C0270850, MONDO:0005579, OMIM 600669.
Hyperaldosteronism, familial, type IV (HALD4). Also called: FH IV; ALDOSTERONISM, PRIMARY, AND HYPERTENSION. Identifiers: Orphanet 642671, MedGen C4310756, MONDO:0014875, OMIM 617027.

Submission:

Labcorp Genetics (formerly Invitae), Labcorp
Classification: Uncertain significance for Idiopathic generalized epilepsy; Hyperaldosteronism, familial, type IV. Last evaluated: 2024-04-05. Review status: criteria provided, single submitter. Criteria: Invitae Variant Classification Sherloc (09022015). Collection method: clinical testing. Allele origin: germline.
Comment: This sequence change replaces cysteine, which is neutral and slightly polar, with glycine, which is neutral and non-polar, at codon 2256 of the CACNA1H protein (p.Cys2256Gly). This variant is not present in population databases (gnomAD no frequency). This variant has not been reported in the literature in individuals affected with CACNA1H-related conditions. ClinVar contains an entry for this variant (Variation ID: 2074943). Advanced modeling of protein sequence and biophysical properties (such as structural, functional, and spatial information, amino acid conservation, physicochemical variation, residue mobility, and thermodynamic stability) performed at Invitae indicates that this missense variant is not expected to disrupt CACNA1H protein function with a negative predictive value of 95%. In summary, the available evidence is currently insufficient to determine the role of this variant in disease. Therefore, it has been classified as a Variant of Uncertain Significance.